The following is an entry in ClinVar:

NM_017617.5(NOTCH1):c.1368C>T (p.Cys456=)

Gene: NOTCH1 (notch receptor 1; minus strand). Cytogenetic location: 9q34.3.
Variant type: single nucleotide variant.
Coding change: c.1368C>T on transcript NM_017617.5 (MANE Select); coding-DNA position 1368, C replaced by T.
Protein change: p.Cys456=; no amino-acid change (cysteine 456 retained).
Molecular consequence: synonymous variant.
Genome position (GRCh38, 1-based): chr9:136,517,825, G>A on the plus strand (C>T on the coding strand, the complement: NOTCH1 is on the minus strand). VCF-style: chr9-136517825-G-A. GRCh37 (hg19) VCF-style: chr9-139412277-G-A.
Other names: c.1368C>T (NM_017617.4).
Identifiers: ClinVar variation 1080885 (VCV001080885.13), dbSNP rs559866409, ClinGen allele CA5341827.

ClinVar aggregate classification (germline): Likely benign. Review status: criteria provided, multiple submitters, no conflicts (2 of 4 stars). 3 submissions from 3 submitters: Likely benign (2). 1 of the submissions does not count toward it. Last evaluated 2026-01-12.

Conditions:
NOTCH1-related disorder. Also called: NOTCH1-related disorders; NOTCH1-related condition.
Familial thoracic aortic aneurysm and aortic dissection (TAAD). Also called: Thoracic aortic aneurysms and dissections. Identifiers: Orphanet 91387, MedGen C4707243, MONDO:0019625.
Adams-Oliver syndrome 5 (AOS5). Identifiers: Orphanet 974, MedGen C4014970, MONDO:0014459, OMIM 616028.

Allele frequency attached by ClinVar (database versions not stated): gnomAD 0.00002 and 0.00003; gnomAD exomes 0.00002 and 0.00003; TOPMed 0.00002; ExAC 0.00003; 1000 Genomes Project 30x 0.00016; 1000 Genomes Project 0.00020.
gnomAD v4.1: 50 of 1,612,692 alleles (0.0031%); highest among the groups gnomAD compares: East Asian, 0.0045%; no homozygotes.

Submissions (3):

Labcorp Genetics (formerly Invitae), Labcorp
Classification: Likely benign for Adams-Oliver syndrome 5. Last evaluated: 2026-01-12. Review status: criteria provided, single submitter. Criteria: Invitae Variant Classification Sherloc (09022015). Collection method: clinical testing. Allele origin: germline.

Ambry Genetics
Classification: Likely benign for Familial thoracic aortic aneurysm and aortic dissection. Last evaluated: 2019-10-20. Review status: criteria provided, single submitter. Criteria: Ambry Variant Classification Scheme 2023. Collection method: clinical testing. Allele origin: germline.

PreventionGenetics, part of Exact Sciences
Classification: Likely benign for NOTCH1-related condition. Last evaluated: 2023-12-28. Review status: no assertion criteria provided. Collection method: clinical testing. Allele origin: germline. Not counted in ClinVar's aggregate classification.
Comment: This variant is classified as likely benign based on ACMG/AMP sequence variant interpretation guidelines (Richards et al. 2015 PMID: 25741868, with internal and published modifications).